The following is an entry in ClinVar:

ClinVar aggregate classification (germline): Uncertain significance. Review status: criteria provided, multiple submitters, no conflicts (2 of 4 stars). 3 submissions from 3 submitters: Uncertain significance (3). Last evaluated 2025-12-08.

Conditions:
ITGA2B-related disorder. Also called: ITGA2B-related disorders; ITGA2B-related condition.
Inborn genetic diseases. Identifiers: MedGen C0950123, MeSH D030342.
Glanzmann thrombasthenia. Also called: THROMBASTHENIA OF GLANZMANN AND NAEGELI; PLATELET GLYCOPROTEIN IIb-IIIa DEFICIENCY; Thrombasthenia; Glanzmann's thrombasthenia. Identifiers: Orphanet 849, MedGen C0040015, MONDO:0100326.

Allele frequency attached by ClinVar (database versions not stated): gnomAD 0.00001; gnomAD exomes 0.00001; TOPMed 0.00002.
gnomAD v4.1: 4 of 1,613,996 alleles (0.00025%); highest among the groups gnomAD compares: Admixed American, 0.0067%; no homozygotes.

Submissions (3):

Ambry Genetics
Classification: Uncertain significance for Inborn genetic diseases. Last evaluated: 2025-12-08. Review status: criteria provided, single submitter. Criteria: Ambry Variant Classification Scheme 2023. Collection method: clinical testing. Allele origin: germline.

Labcorp Genetics (formerly Invitae), Labcorp
Classification: Uncertain significance for Glanzmann thrombasthenia. Last evaluated: 2025-09-30. Review status: criteria provided, single submitter. Criteria: Invitae Variant Classification Sherloc (09022015). Collection method: clinical testing. Allele origin: germline.
Comment: This sequence change replaces proline, which is neutral and non-polar, with serine, which is neutral and polar, at codon 483 of the ITGA2B protein (p.Pro483Ser). This variant is present in population databases (no rsID available, gnomAD 0.006%). This variant has not been reported in the literature in individuals affected with ITGA2B-related conditions. ClinVar contains an entry for this variant (Variation ID: 2636711). Invitae Evidence Modeling of protein sequence and biophysical properties (such as structural, functional, and spatial information, amino acid conservation, physicochemical variation, residue mobility, and thermodynamic stability) indicates that this missense variant is expected to disrupt ITGA2B protein function with a positive predictive value of 95%. In summary, the available evidence is currently insufficient to determine the role of this variant in disease. Therefore, it has been classified as a Variant of Uncertain Significance.

PreventionGenetics, part of Exact Sciences
Classification: Uncertain significance for ITGA2B-related condition. Last evaluated: 2022-12-29. Review status: criteria provided, single submitter. Criteria: ACMG Guidelines, 2015. Collection method: clinical testing. Allele origin: germline.
Comment: The ITGA2B c.1447C>T variant is predicted to result in the amino acid substitution p.Pro483Ser. To our knowledge, this variant has not been reported in the literature. This variant is reported in 0.0058% of alleles in individuals of Latino descent in gnomAD. At this time, the clinical significance of this variant is uncertain due to the absence of conclusive functional and genetic evidence.

NM_000419.5(ITGA2B):c.1447C>T (p.Pro483Ser)

Gene: ITGA2B (integrin subunit alpha 2b; minus strand). Cytogenetic location: 17q21.31.
Variant type: single nucleotide variant.
Coding change: c.1447C>T on transcript NM_000419.5 (MANE Select); coding-DNA position 1447, C replaced by T.
Protein change: p.Pro483Ser; replaces proline 483 with serine.
Molecular consequence: missense variant.
Genome position (GRCh38, 1-based): chr17:44,380,483, G>A on the plus strand (C>T on the coding strand, the complement: ITGA2B is on the minus strand). VCF-style: chr17-44380483-G-A. GRCh37 (hg19) VCF-style: chr17-42457851-G-A.
Other names: short protein forms P483S.
Identifiers: ClinVar variation 2636711 (VCV002636711.5), dbSNP rs970966749, ClinGen allele CA290950241.